The following is an entry in ClinVar:

ClinVar aggregate classification (germline): Uncertain significance (1 of 4 stars; one submission).

Conditions:
Neurodevelopmental disorder with progressive spasticity and brain white matter abnormalities. Also called: CEREBRAL PALSY, SPASTIC QUADRIPLEGIC, 1. Identifiers: Orphanet 210141, Orphanet 641353, MedGen C5436628, MONDO:0033613, OMIM 619026.

Submission:

Neuberg Centre For Genomic Medicine, NCGM
Classification: Uncertain significance for Neurodevelopmental disorder with progressive spasticity and brain white matter abnormalities. Review status: criteria provided, single submitter. Criteria: ACMG Guidelines, 2015. Collection method: clinical testing. Allele origin: germline. Inheritance: Autosomal recessive inheritance. Affected: yes.
Comment: The observed missense variant c.832G>A(p.Gly278Ser) in HPDL gene has not been reported previously as a pathogenic variant nor as a benign variant, to our knowledge. The c.832G>A(p.Gly278Ser) variant is absent in gnomAD Exomes. This variant has been reported to the ClinVar database with a status of no interpretation for the single variant. The amino acid Gly at position 278 is changed to a Ser changing protein sequence and it might alter its composition and physico-chemical properties. Computational evidence (Polyphen-Benign, SIFT-Tolerated and Mutation Taster-disease causing) predicts conflicting evidence on protein structure and function for this variant. The reference amino acid p.Gly278Ser in HPDL is predicted as conserved by GERP++ and PhyloP across 100 vertebrates. For these reasons, this variant has been classified as Uncertain Significance.

NM_032756.4(HPDL):c.832G>A (p.Gly278Ser)

Gene: HPDL (4-hydroxyphenylpyruvate dioxygenase like; plus strand). Cytogenetic location: 1p34.1.
Variant type: single nucleotide variant.
Coding change: c.832G>A on transcript NM_032756.4 (MANE Select); coding-DNA position 832, G replaced by A.
Protein change: p.Gly278Ser; replaces glycine 278 with serine.
Molecular consequence: missense variant.
Genome position (GRCh38, 1-based): chr1:45,327,980, G>A. VCF-style: chr1-45327980-G-A. GRCh37 (hg19) VCF-style: chr1-45793652-G-A.
Other names: short protein forms G278S.
Identifiers: ClinVar variation 1184982 (VCV001184982.2), dbSNP rs2149082167.